The following is an entry in ClinVar:

NM_013254.4(TBK1):c.64A>G (p.Asn22Asp)

Gene: TBK1 (TANK binding kinase 1; plus strand). Cytogenetic location: 12q14.2.
Variant type: single nucleotide variant.
Coding change: c.64A>G on transcript NM_013254.4 (MANE Select); coding-DNA position 64, A replaced by G.
Protein change: p.Asn22Asp; replaces asparagine 22 with aspartic acid.
Molecular consequence: missense variant.
Genome position (GRCh38, 1-based): chr12:64,455,934, A>G. VCF-style: chr12-64455934-A-G. GRCh37 (hg19) VCF-style: chr12-64849714-A-G.
Other names: short protein forms N22D.
Identifiers: ClinVar variation 1439961 (VCV001439961.6), dbSNP rs576726084, ClinGen allele CA238248254.

ClinVar aggregate classification (germline): Uncertain significance (1 of 4 stars; one submission).

Conditions:
Frontotemporal dementia and/or amyotrophic lateral sclerosis 4. Also called: FTDALS4. Identifiers: Orphanet 275872, MedGen C4225325, MONDO:0014641, OMIM 616439.

Allele frequency attached by ClinVar (database versions not stated): TOPMed 0.00001.
gnomAD v4.1: 15 of 1,613,700 alleles (0.00093%); highest among the groups gnomAD compares: African/African-American, 0.0013%; no homozygotes.

Submission:

Labcorp Genetics (formerly Invitae), Labcorp
Classification: Uncertain significance for Frontotemporal dementia and/or amyotrophic lateral sclerosis 4. Last evaluated: 2025-11-17. Review status: criteria provided, single submitter. Criteria: Invitae Variant Classification Sherloc (09022015). Collection method: clinical testing. Allele origin: germline.
Comment: This sequence change replaces asparagine, which is neutral and polar, with aspartic acid, which is acidic and polar, at codon 22 of the TBK1 protein (p.Asn22Asp). This variant is present in population databases (rs576726084, gnomAD 0.0009%). This missense change has been observed in individual(s) with clinical features of TBK1-related conditions (PMID: 33057194, 35982159). ClinVar contains an entry for this variant (Variation ID: 1439961). Invitae Evidence Modeling of protein sequence and biophysical properties (such as structural, functional, and spatial information, amino acid conservation, physicochemical variation, residue mobility, and thermodynamic stability) indicates that this missense variant is not expected to disrupt TBK1 protein function with a negative predictive value of 95%. Experimental studies have shown that this missense change does not substantially affect TBK1 function (PMID: 31748271). In summary, the available evidence is currently insufficient to determine the role of this variant in disease. Therefore, it has been classified as a Variant of Uncertain Significance.

Literature cited by the submitters: PubMed 33057194; PubMed 35982159; PubMed 31748271.